The following is an entry in ClinVar:

ClinVar aggregate classification (germline): Uncertain significance (1 of 4 stars; one submission).

Submission:

Labcorp Genetics (formerly Invitae), Labcorp
Classification: Uncertain significance. Last evaluated: 2024-11-04. Review status: criteria provided, single submitter. Criteria: Invitae Variant Classification Sherloc (09022015). Collection method: clinical testing. Allele origin: germline.
Comment: This sequence change replaces methionine, which is neutral and non-polar, with valine, which is neutral and non-polar, at codon 1634 of the ARID1A protein (p.Met1634Val). This variant is present in population databases (rs778285496, gnomAD 0.003%). This variant has not been reported in the literature in individuals affected with ARID1A-related conditions. Invitae Evidence Modeling of protein sequence and biophysical properties (such as structural, functional, and spatial information, amino acid conservation, physicochemical variation, residue mobility, and thermodynamic stability) indicates that this missense variant is not expected to disrupt ARID1A protein function with a negative predictive value of 80%. In summary, the available evidence is currently insufficient to determine the role of this variant in disease. Therefore, it has been classified as a Variant of Uncertain Significance.

NM_006015.6(ARID1A):c.4900A>G (p.Met1634Val)

Gene: ARID1A (AT-rich interaction domain 1A; plus strand). Cytogenetic location: 1p36.11.
Variant type: single nucleotide variant.
Coding change: c.4900A>G on transcript NM_006015.6 (MANE Select); coding-DNA position 4900, A replaced by G.
Protein change: p.Met1634Val; replaces methionine 1634 with valine.
Molecular consequence: missense variant.
Genome position (GRCh38, 1-based): chr1:26,775,127, A>G. VCF-style: chr1-26775127-A-G. GRCh37 (hg19) VCF-style: chr1-27101618-A-G.
Other names: c.4249A>G, p.Met1417Val (NM_139135.4); short protein forms M1417V, M1634V.
Identifiers: ClinVar variation 3612006 (VCV003612006.2).